The following is an entry in ClinVar:

NM_012330.4(KAT6B):c.5549C>T (p.Ser1850Phe)

Gene: KAT6B (lysine acetyltransferase 6B; plus strand). Cytogenetic location: 10q22.2.
Variant type: single nucleotide variant.
Coding change: c.5549C>T on transcript NM_012330.4 (MANE Select); coding-DNA position 5549, C replaced by T.
Protein change: p.Ser1850Phe; replaces serine 1850 with phenylalanine.
Molecular consequence: missense variant.
Genome position (GRCh38, 1-based): chr10:75,030,373, C>T. VCF-style: chr10-75030373-C-T. GRCh37 (hg19) VCF-style: chr10-76790131-C-T.
Other names: c.5000C>T, p.Ser1667Phe (NM_001256468.2, NM_001370138.1); c.4673C>T, p.Ser1558Phe (NM_001256469.2, NM_001370139.1, NM_001370140.1 and 2 more transcripts); c.4511C>T, p.Ser1504Phe (NM_001370132.1); c.3860C>T, p.Ser1287Phe (NM_001370133.1); c.3464C>T, p.Ser1155Phe (NM_001370134.1); c.3206C>T, p.Ser1069Phe (NM_001370135.1); c.5549C>T, p.Ser1850Phe (NM_001370136.1, NM_001370137.1); c.4484C>T, p.Ser1495Phe (NM_001370143.1, NM_001370144.1); short protein forms S1069F, S1155F, S1287F, S1495F, S1504F, S1558F, S1667F, S1850F.
Identifiers: ClinVar variation 3629988 (VCV003629988.1).

ClinVar aggregate classification (germline): Uncertain significance (1 of 4 stars; one submission).

gnomAD v4.1: 1 of 1,614,086 alleles (0.000062%); highest among the groups gnomAD compares: African/African-American, 0.0013%; no homozygotes.

Submission:

Women's Health and Genetics/Laboratory Corporation of America, LabCorp
Classification: Uncertain significance. Last evaluated: 2024-11-19. Review status: criteria provided, single submitter. Criteria: LabCorp Variant Classification Summary - May 2015. Collection method: clinical testing. Allele origin: germline.
Comment: Variant summary: KAT6B c.5549C>T (p.Ser1850Phe) results in a non-conservative amino acid change in the encoded protein sequence. Five of five in-silico tools predict a damaging effect of the variant on protein function. The variant was absent in 251444 control chromosomes (gnomAD). The available data on variant occurrences in the general population are insufficient to allow any conclusion about variant significance. To our knowledge, no occurrence of c.5549C>T in individuals affected with KAT6B-Related Spectrum Disorders and no experimental evidence demonstrating its impact on protein function have been reported. No submitters have cited clinical-significance assessments for this variant to ClinVar. Based on the evidence outlined above, the variant was classified as uncertain significance.